The following is an entry in ClinVar:

NM_000466.3(PEX1):c.2034_2035del (p.His678fs)

Gene: PEX1 (peroxisomal biogenesis factor 1; minus strand). Cytogenetic location: 7q21.2.
Variant type: Microsatellite.
Coding change: c.2034_2035del on transcript NM_000466.3 (MANE Select); coding-DNA positions 2034 to 2035, 2 bases deleted (CA; older notation c.2034_2035delCA).
Protein change: p.His678fs; shifts the reading frame from histidine 678.
Molecular consequence: frameshift variant. On other transcripts: intron variant (1).
Genome position (GRCh38, 1-based): chr7:92,504,768-92,504,769, TG deleted on the plus strand (CA on the coding strand, the reverse complement: PEX1 is on the minus strand); deleting any 2 consecutive bases within chr7:92,504,768-92,504,771 gives the same sequence; the c. name uses the placement nearest the transcript's 3' end. VCF-style (leftmost placement, unchanged base first): chr7-92504767-CTG-C. GRCh37 (hg19) VCF-style: chr7-92134081-CTG-C.
Other names: c.2034_2035del (NM_000466.2); c.1410_1411del, p.His470fs (NM_001282678.2); c.1900+1479_1900+1480del (NM_001282677.2); short protein forms H470fs, H678fs.
Identifiers: ClinVar variation 371692 (VCV000371692.16), dbSNP rs61750412, ClinGen allele CA16041156.

ClinVar aggregate classification (germline): Pathogenic. Review status: criteria provided, multiple submitters, no conflicts (2 of 4 stars). 7 submissions from 6 submitters: Pathogenic (5). 2 of the submissions do not count toward it. Last evaluated 2025-03-13.

Conditions:
Zellweger spectrum disorders (ZS). Also called: Zellweger Spectrum Disorder (ZSD); Zellweger Spectrum Disorder; Zellweger Spectrum; Zellweger syndrome. Identifiers: Orphanet 912, MedGen C0043459, MONDO:0019609.
Autosomal recessive PEX1-related disorders.
Peroxisome biogenesis disorder 1B (PBD1B). Also called: Refsum disease, infantile form; Infantile Refsum disease; Infantile form of phytanic acid storage disease; PEROXISOME BIOGENESIS DISORDER (NEONATAL ADRENOLEUKODYSTROPHY/INFANTILE REFSUM DISEASE); INFANTILE PHYTANIC ACID STORAGE DISEASE; PEROXISOME BIOGENESIS DISORDER (NALD/IRD). Identifiers: Orphanet 44, MedGen C0282527, MONDO:0011101, OMIM 601539.
Peroxisome biogenesis disorder. Identifiers: Orphanet 79189, MedGen C1832200, MONDO:0019234. Disease mechanism: loss of function.
Peroxisome biogenesis disorder 1A (Zellweger) (PBD1A). Also called: Zellweger leukodystrophy; Peroxisome biogenesis disorder 1a. Identifiers: MedGen C4721541, MONDO:0008953, OMIM 214100.

Submissions (7):

Variantyx, Inc.
Classification: Pathogenic for Autosomal recessive PEX1-related disorders. Last evaluated: 2025-03-13. Review status: criteria provided, single submitter. Criteria: Variantyx Assertion Criteria 2022. Collection method: clinical testing. Allele origin: germline.
Comment: This is a frameshift variant in the PEX1 gene (OMIM: 602136). Pathogenic variants in this gene have been associated with autosomal recessive PEX1-related disorders. This variant introduces a premature termination codon in exon 12 out of 24. It is expected to result in loss of function, which is a known disease mechanism for PEX1 in this disorder (PMID: 9398847, 16086329, 16141001) (PVS1). This variant has been identified in the homozygous or compound heterozygous state in at least 1 individual(s) from the published literature (PMID: 21844578) (PM3). This variant has a 0.0005% maximum allele frequency in non-founder control populations (PM2_Supporting). Based on the current evidence, this variant is classified as pathogenic for autosomal recessive PEX1-related disorders.

GeneDx
Classification: Pathogenic. Last evaluated: 2025-02-10. Review status: criteria provided, single submitter. Criteria: GeneDx Variant Classification Process June 2021. Collection method: clinical testing. Allele origin: germline. Affected: yes.
Comment: Frameshift variant predicted to result in protein truncation or nonsense mediated decay in a gene for which loss of function is a known mechanism of disease; Not observed at significant frequency in large population cohorts (gnomAD); This variant is associated with the following publications: (PMID: 21031596, 31964843, 31831025, 21844578)

Natera, Inc.
Classification: Pathogenic for Zellweger syndrome. Last evaluated: 2024-12-22. Review status: criteria provided, single submitter. Criteria: Natera Variant Classification Schema (03/2026). Collection method: clinical testing. Allele origin: germline.
Comment: The c.2034_2035delCA variant in PEX1 is a frameshift variant predicted to shift the reading frame beginning at codon 678 and leads to a stop codon 3 codons downstream. This variant is expected to result in nonsense mediated decay, truncation, or a dysfunctional protein product. This variant is rare in the general population with a frequency below the threshold expected for the associated phenotype(s). This variant has been observed in one or more individuals affected with the associated recessive disease, as either homozygous or compound heterozygous with a second variant (PMID: 21844578). Given the available evidence, this variant is classified as Pathogenic.

Labcorp Genetics (formerly Invitae), Labcorp
Classification: Pathogenic for Zellweger spectrum disorders. Last evaluated: 2022-11-08. Review status: criteria provided, single submitter. Criteria: Invitae Variant Classification Sherloc (09022015). Collection method: clinical testing. Allele origin: germline.
Comment: For these reasons, this variant has been classified as Pathogenic. ClinVar contains an entry for this variant (Variation ID: 371692). This premature translational stop signal has been observed in individual(s) with Zellweger syndrome (PMID: 21031596, 21844578). This variant is present in population databases (rs61750412, gnomAD 0.0009%). This sequence change creates a premature translational stop signal (p.His678Glnfs*3) in the PEX1 gene. It is expected to result in an absent or disrupted protein product. Loss-of-function variants in PEX1 are known to be pathogenic (PMID: 9398847, 16086329, 16141001, 21031596, 26387595, 31831025).

Women's Health and Genetics/Laboratory Corporation of America, LabCorp
Classification: Pathogenic for Peroxisome biogenesis disorder. Last evaluated: 2021-12-01. Review status: criteria provided, single submitter. Criteria: LabCorp Variant Classification Summary - May 2015. Collection method: clinical testing. Allele origin: germline.
Comment: Variant summary: PEX1 c.2034_2035delCA (p.His678GlnfsX3) results in a premature termination codon, predicted to cause a truncation of the encoded protein or absence of the protein due to nonsense mediated decay, which are commonly known mechanisms for disease. Truncations downstream of this position have been classified as pathogenic by our laboratory. The variant allele was found at a frequency of 4e-06 in 251214 control chromosomes (gnomAD). c.2034_2035delCA has been reported in the literature in individuals affected with Zellweger Syndrome (Ebberink_2011, Cho_2011). These data indicate that the variant may be associated with disease. To our knowledge, no experimental evidence demonstrating an impact on protein function has been reported. Two ClinVar submitters (evaluation after 2014) cite the variant as pathogenic and likely pathogenic. Based on the evidence outlined above, the variant was classified as pathogenic.

Counsyl
Classification: Likely pathogenic for Peroxisome biogenesis disorder 1A (Zellweger). Last evaluated: 2015-12-15. Review status: no assertion criteria provided. Collection method: clinical testing. Allele origin: unknown. Not counted in ClinVar's aggregate classification.

Counsyl
Classification: Likely pathogenic for Peroxisome biogenesis disorder 1B. Last evaluated: 2015-12-15. Review status: no assertion criteria provided. Collection method: clinical testing. Allele origin: unknown. Not counted in ClinVar's aggregate classification.

Literature cited by the submitters: PubMed 21844578 (cited by 4 submitters); PubMed 21031596 (cited by 3 submitters); PubMed 9398847 (cited by Labcorp Genetics (formerly Invitae), Labcorp); PubMed 16086329 (cited by Labcorp Genetics (formerly Invitae), Labcorp); PubMed 16141001 (cited by Labcorp Genetics (formerly Invitae), Labcorp); PubMed 26387595 (cited by Labcorp Genetics (formerly Invitae), Labcorp); PubMed 31831025 (cited by Labcorp Genetics (formerly Invitae), Labcorp and Women's Health and Genetics/Laboratory Corporation of America, LabCorp); PubMed 31374812 (cited by Women's Health and Genetics/Laboratory Corporation of America, LabCorp).